The following is an entry in ClinVar:

NM_001042492.3(NF1):c.1665dup (p.Asp556fs)

Gene: NF1 (neurofibromin 1; plus strand). Cytogenetic location: 17q11.2.
Variant type: Duplication.
Coding change: c.1665dup on transcript NM_001042492.3 (MANE Select); coding-DNA position 1665, one base duplicated (A; older notation c.1665dupA).
Protein change: p.Asp556fs; shifts the reading frame from aspartic acid 556.
Molecular consequence: frameshift variant.
Genome position (GRCh38, 1-based): chr17:31,221,873, A duplicated. VCF-style (leftmost placement, unchanged base first): chr17-31221872-T-TA. GRCh37 (hg19) VCF-style: chr17-29548890-T-TA.
Other names: c.1665dup, p.Asp556fs (NM_001128147.3); c.1665dup, p.Asp556Argfs (NM_000267.4); short protein forms D556fs.
Identifiers: ClinVar variation 2137965 (VCV002137965.4), dbSNP rs2508108464, ClinGen allele CA2580092773.

ClinVar aggregate classification (germline): Pathogenic (1 of 4 stars; one submission).

Conditions:
Neurofibromatosis, type 1 (NF1). Also called: Peripheral type neurofibromatosis; VON RECKLINGHAUSEN DISEASE; NEUROFIBROMATOSIS, TYPE I, SOMATIC; Neurofibromatosis, type I. Identifiers: Orphanet 636, MedGen C0027831, MONDO:0018975, OMIM 162200. Disease mechanism: loss of function.

Submission:

Labcorp Genetics (formerly Invitae), Labcorp
Classification: Pathogenic for Neurofibromatosis, type 1. Last evaluated: 2023-07-25. Review status: criteria provided, single submitter. Criteria: Invitae Variant Classification Sherloc (09022015). Collection method: clinical testing. Allele origin: germline.
Comment: This sequence change creates a premature translational stop signal (p.Asp556Argfs*2) in the NF1 gene. It is expected to result in an absent or disrupted protein product. Loss-of-function variants in NF1 are known to be pathogenic (PMID: 10712197, 23913538). This variant is not present in population databases (gnomAD no frequency). This premature translational stop signal has been observed in individual(s) with neurofibromatosis type 1 (PMID: 25074460). ClinVar contains an entry for this variant (Variation ID: 2137965). For these reasons, this variant has been classified as Pathogenic.

Literature cited by the submitters: PubMed 10712197; PubMed 23913538; PubMed 25074460.